The following is an entry in ClinVar:

ClinVar aggregate classification (germline): Conflicting classifications of pathogenicity. Review status: criteria provided, conflicting classifications (1 of 4 stars). 2 submissions from 2 submitters: Likely pathogenic (1); Uncertain significance (1). Last evaluated 2024-10-29.

Allele frequency attached by ClinVar (database versions not stated): TOPMed below 0.00001.

Submissions (2):

Labcorp Genetics (formerly Invitae), Labcorp
Classification: Uncertain significance. Last evaluated: 2024-10-29. Review status: criteria provided, single submitter. Criteria: Invitae Variant Classification Sherloc (09022015). Collection method: clinical testing. Allele origin: germline.
Comment: This sequence change affects an acceptor splice site in intron 6 of the COMP gene. It is expected to disrupt RNA splicing. Variants that disrupt the donor or acceptor splice site typically lead to a loss of protein function (PMID: 16199547), however the current clinical and genetic evidence is not sufficient to establish whether loss-of-function variants in COMP cause disease. This variant is not present in population databases (gnomAD no frequency). This variant has not been reported in the literature in individuals affected with COMP-related conditions. ClinVar contains an entry for this variant (Variation ID: 1198366). Algorithms developed to predict the effect of sequence changes on RNA splicing suggest that this variant may disrupt the consensus splice site. In summary, the available evidence is currently insufficient to determine the role of this variant in disease. Therefore, it has been classified as a Variant of Uncertain Significance.

GeneDx
Classification: Likely pathogenic. Last evaluated: 2019-05-16. Review status: criteria provided, single submitter. Criteria: GeneDx Variant Classification Process June 2021. Collection method: clinical testing. Allele origin: germline. Affected: yes.
Comment: Canonical splice site variant predicted to result in an in-frame deletion of a critical region; Has not been previously published as pathogenic or benign to our knowledge; Not observed in large population cohorts (Lek et al., 2016)

Literature cited by the submitters: PubMed 16199547 (cited by Labcorp Genetics (formerly Invitae), Labcorp).

NM_000095.3(COMP):c.604-2A>C

Gene: COMP (cartilage oligomeric matrix protein; minus strand). Cytogenetic location: 19p13.11.
Variant type: single nucleotide variant.
Coding change: c.604-2A>C on transcript NM_000095.3 (MANE Select); the canonical splice acceptor site of the intron before coding-DNA position 604, A replaced by C.
Molecular consequence: splice acceptor variant.
Genome position (GRCh38, 1-based): chr19:18,788,752, T>G on the plus strand (A>C on the coding strand, the complement: COMP is on the minus strand). VCF-style: chr19-18788752-T-G. GRCh37 (hg19) VCF-style: chr19-18899561-T-G.
Identifiers: ClinVar variation 1198366 (VCV001198366.5), dbSNP rs1459554830, ClinGen allele CA404894652.
Genomic context (GRCh38, chr19:18,788,752, plus strand): 5'-CAGCCGGACGCCTGGTCGCCCACGAAGCCGGGCTGGCACGGGCCGCACTGGAAGGAGCCC[T>G]GCGCCGGAGCCGCCGGAGGTCAGCGCAGGCCGCCCGCCGCTCGCCCCACCTCCCGCGATC-3'